The following is an entry in ClinVar:

NM_014915.3(ANKRD26):c.475A>C (p.Ile159Leu)

Gene: ANKRD26 (ankyrin repeat domain 26; minus strand). Cytogenetic location: 10p12.1.
Variant type: single nucleotide variant.
Coding change: c.475A>C on transcript NM_014915.3 (MANE Select); coding-DNA position 475, A replaced by C.
Protein change: p.Ile159Leu; replaces isoleucine 159 with leucine.
Molecular consequence: missense variant.
Genome position (GRCh38, 1-based): chr10:27,093,405, T>G on the plus strand (A>C on the coding strand, the complement: ANKRD26 is on the minus strand). VCF-style: chr10-27093405-T-G. GRCh37 (hg19) VCF-style: chr10-27382334-T-G.
Other names: c.475A>C, p.Ile159Leu (NM_001256053.2); short protein forms I159L.
Identifiers: ClinVar variation 2896886 (VCV002896886.4), dbSNP rs201548038, ClinGen allele CA204450808.
Genomic context (GRCh38, chr10:27,093,405, plus strand): 5'-ATACCTTGTTTTTTGCTTCAATATTTGCATCATACAAAAGCAGCTTTGTTGCTACTGATA[T>G]GTCCTCATTATAGACAGCATAGTGAAGAGCAGTGTTGCCATGGACATCCGCAAGATTTGG-3'
Protein context (NP_055730.2, residues 149-169): ALHYAVYNED[Ile159Leu]SVATKLLLYD

ClinVar aggregate classification (germline): Uncertain significance. Review status: criteria provided, multiple submitters, no conflicts (2 of 4 stars). 2 submissions from 2 submitters: Uncertain significance (2). Last evaluated 2024-11-27.

Conditions:
Inborn genetic diseases. Identifiers: MedGen C0950123, MeSH D030342.

Submissions (2):

Ambry Genetics
Classification: Uncertain significance for Inborn genetic diseases. Last evaluated: 2024-11-27. Review status: criteria provided, single submitter. Criteria: Ambry Variant Classification Scheme 2023. Collection method: clinical testing. Allele origin: germline.
Comment: The p.I159L variant (also known as c.475A>C), located in coding exon 3 of the ANKRD26 gene, results from an A to C substitution at nucleotide position 475. The isoleucine at codon 159 is replaced by leucine, an amino acid with highly similar properties. This amino acid position is conserved. In addition, this alteration is predicted to be tolerated by in silico analysis. Based on the available evidence, the clinical significance of this variant remains unclear.

Labcorp Genetics (formerly Invitae), Labcorp
Classification: Uncertain significance. Last evaluated: 2024-04-03. Review status: criteria provided, single submitter. Criteria: Invitae Variant Classification Sherloc (09022015). Collection method: clinical testing. Allele origin: germline.
Comment: This sequence change replaces isoleucine, which is neutral and non-polar, with leucine, which is neutral and non-polar, at codon 159 of the ANKRD26 protein (p.Ile159Leu). This variant is not present in population databases (gnomAD no frequency). This variant has not been reported in the literature in individuals affected with ANKRD26-related conditions. Algorithms developed to predict the effect of missense changes on protein structure and function output the following: SIFT: "Not Available"; PolyPhen-2: "Benign"; Align-GVGD: "Not Available". The leucine amino acid residue is found in multiple mammalian species, which suggests that this missense change does not adversely affect protein function. In summary, the available evidence is currently insufficient to determine the role of this variant in disease. Therefore, it has been classified as a Variant of Uncertain Significance.